The following is an entry in ClinVar:

ClinVar aggregate classification (germline): Benign/Likely benign. Review status: criteria provided, multiple submitters, no conflicts (2 of 4 stars). 2 submissions from 2 submitters: Benign (1); Likely benign (1). Last evaluated 2024-12-30.

Conditions:
Hereditary nonpolyposis colorectal neoplasms. Identifiers: MedGen C0009405, MeSH D003123.
Lynch syndrome 5 (LYNCH5). Also called: Colorectal cancer, hereditary nonpolyposis, type 5; Hereditary non-polyposis colorectal cancer, type 5. Identifiers: Orphanet 144, MedGen C1833477, MONDO:0013710, OMIM 614350. Disease mechanism: loss of function.

Submissions (2):

Myriad Genetics, Inc.
Classification: Benign for Lynch syndrome 5. Last evaluated: 2024-12-30. Review status: criteria provided, single submitter. Criteria: Myriad Autosomal Dominant, Autosomal Recessive and X-Linked Classification Criteria (2023). Collection method: clinical testing. Allele origin: unknown.
Comment: This variant is considered benign. This variant is a silent/synonymous amino acid change and it is not expected to impact splicing.

Labcorp Genetics (formerly Invitae), Labcorp
Classification: Likely benign for Hereditary nonpolyposis colorectal neoplasms. Last evaluated: 2023-04-20. Review status: criteria provided, single submitter. Criteria: Invitae Variant Classification Sherloc (09022015). Collection method: clinical testing. Allele origin: germline.

NM_000179.3(MSH6):c.2250A>G (p.Thr750=)

Gene: MSH6 (mutS homolog 6; plus strand). Cytogenetic location: 2p16.3.
Variant type: single nucleotide variant.
Coding change: c.2250A>G on transcript NM_000179.3 (MANE Select); coding-DNA position 2250, A replaced by G.
Protein change: p.Thr750=; no amino-acid change (threonine 750 retained).
Molecular consequence: synonymous variant. On other transcripts: non-coding transcript variant (5), intron variant (2).
Genome position (GRCh38, 1-based): chr2:47,800,233, A>G. VCF-style: chr2-47800233-A-G. GRCh37 (hg19) VCF-style: chr2-48027372-A-G.
Other names: c.1860A>G, p.Thr620= (NM_001281492.2); c.1344A>G, p.Thr448= (NM_001281493.2, NM_001281494.2, NM_001406811.1 and 6 more transcripts); c.2346A>G, p.Thr782= (NM_001406795.1, NM_001406802.1); c.2250A>G, p.Thr750= (NM_001406796.1, NM_001406798.1, NM_001406800.1 and 3 more transcripts); c.1953A>G, p.Thr651= (NM_001406797.1, NM_001406801.1, NM_001406805.1 and 10 more transcripts); c.1725A>G, p.Thr575= (NM_001406799.1, NM_001406806.1, NM_001406807.1); c.2172A>G, p.Thr724= (NM_001406804.1); c.2256A>G, p.Thr752= (NM_001406813.1); and 3 more.
Identifiers: ClinVar variation 2820412 (VCV002820412.4), dbSNP rs1060504746, ClinGen allele CA426121373.